The following is an entry in ClinVar:

ClinVar aggregate classification (germline): Uncertain significance (1 of 4 stars; one submission).

Allele frequency attached by ClinVar (database versions not stated): TOPMed below 0.00001; gnomAD exomes 0.00001.
gnomAD v4.1: 106 of 1,613,886 alleles (0.0066%); highest among the groups gnomAD compares: Non-Finnish European, 0.0089%; no homozygotes.

Submission:

Labcorp Genetics (formerly Invitae), Labcorp
Classification: Uncertain significance. Last evaluated: 2021-08-28. Review status: criteria provided, single submitter. Criteria: Invitae Variant Classification Sherloc (09022015). Collection method: clinical testing. Allele origin: germline.
Comment: This sequence change replaces alanine with aspartic acid at codon 7 of the GPC6 protein (p.Ala7Asp). The alanine residue is weakly conserved and there is a moderate physicochemical difference between alanine and aspartic acid. This variant is not present in population databases (ExAC no frequency). This variant has not been reported in the literature in individuals affected with GPC6-related conditions. Algorithms developed to predict the effect of missense changes on protein structure and function are either unavailable or do not agree on the potential impact of this missense change (SIFT: "Tolerated"; PolyPhen-2: "Possibly Damaging"; Align-GVGD: "Class C0"). In summary, the available evidence is currently insufficient to determine the role of this variant in disease. Therefore, it has been classified as a Variant of Uncertain Significance.

NM_005708.5(GPC6):c.20C>A (p.Ala7Asp)

Gene: GPC6 (glypican 6; plus strand). Cytogenetic location: 13q31.3.
Variant type: single nucleotide variant.
Coding change: c.20C>A on transcript NM_005708.5 (MANE Select); coding-DNA position 20, C replaced by A.
Protein change: p.Ala7Asp; replaces alanine 7 with aspartic acid.
Molecular consequence: missense variant.
Genome position (GRCh38, 1-based): chr13:93,227,476, C>A. VCF-style: chr13-93227476-C-A. GRCh37 (hg19) VCF-style: chr13-93879729-C-A.
Other names: short protein forms A7D.
Identifiers: ClinVar variation 1358883 (VCV001358883.5), dbSNP rs1468618388, ClinGen allele CA388464333.
Genomic context (GRCh38, chr13:93,227,476, plus strand): 5'-CCGGCCGTGGGGTTTACCGAGCTGGATTTGTATGTTGCACCATGCCTTCTTGGATCGGGG[C>A]TGTGATTCTTCCCCTCTTGGGGCTGCTGCTCTCCCTCCCCGCCGGGGCGGATGTGAAGGC-3'
Protein context (NP_005699.1, residues 1-17): MPSWIG[Ala7Asp]VILPLLGLLL